The following is an entry in ClinVar:

NM_004727.3(SLC24A1):c.2577C>G (p.Ser859Arg)

Gene: SLC24A1 (solute carrier family 24 member 1; plus strand). Cytogenetic location: 15q22.31.
Variant type: single nucleotide variant.
Coding change: c.2577C>G on transcript NM_004727.3 (MANE Select); coding-DNA position 2577, C replaced by G.
Protein change: p.Ser859Arg; replaces serine 859 with arginine.
Molecular consequence: missense variant.
Genome position (GRCh38, 1-based): chr15:65,650,726, C>G. VCF-style: chr15-65650726-C-G. GRCh37 (hg19) VCF-style: chr15-65943064-C-G.
Other names: c.558C>G, p.Ser186Arg (NM_001254740.2); c.2577C>G, p.Ser859Arg (NM_001301031.1); c.2523C>G, p.Ser841Arg (NM_001301032.1, NM_001301033.2); short protein forms S186R, S841R, S859R.
Identifiers: ClinVar variation 1487149 (VCV001487149.8), dbSNP rs371059164, ClinGen allele CA392899780.
Genomic context (GRCh38, chr15:65,650,726, plus strand): 5'-TGAAGCCAAAAATGATGAGAAAGGTGTAGAAGATGGAGGGGGAAGTGATGGAGGGGATAG[C>G]GAAGAGGAGGAAGAGGAGGAGGAAGAGCAGGAGGAAGAGGAGGAGGAGGAAGAGCAGGAG-3'
Protein context (NP_004718.1, residues 849-869): EDGGGSDGGD[Ser859Arg]EEEEEEEEEQ

ClinVar aggregate classification (germline): Uncertain significance (1 of 4 stars; one submission).

gnomAD v4.1: 1 of 1,566,010 alleles (0.000064%); highest among the groups gnomAD compares: Non-Finnish European, 0.000086%; no homozygotes.

Submission:

Labcorp Genetics (formerly Invitae), Labcorp
Classification: Uncertain significance. Last evaluated: 2021-05-17. Review status: criteria provided, single submitter. Criteria: Invitae Variant Classification Sherloc (09022015). Collection method: clinical testing. Allele origin: germline.
Comment: In summary, the available evidence is currently insufficient to determine the role of this variant in disease. Therefore, it has been classified as a Variant of Uncertain Significance. Algorithms developed to predict the effect of missense changes on protein structure and function (SIFT, PolyPhen-2, Align-GVGD) all suggest that this variant is likely to be tolerated, but these predictions have not been confirmed by published functional studies and their clinical significance is uncertain. This variant has not been reported in the literature in individuals with SLC24A1-related conditions. This variant is not present in population databases (ExAC no frequency). This sequence change replaces serine with arginine at codon 859 of the SLC24A1 protein (p.Ser859Arg). The serine residue is weakly conserved and there is a moderate physicochemical difference between serine and arginine.